The following is an entry in ClinVar:

ClinVar aggregate classification (germline): Uncertain significance (1 of 4 stars; one submission).

Conditions:
Citrin deficiency. Identifiers: Orphanet 247582, MedGen C1997910, MONDO:0016602.

gnomAD v4.1: 20 of 1,614,030 alleles (0.0012%); highest among the groups gnomAD compares: Non-Finnish European, 0.0017%; no homozygotes.

Submission:

Labcorp Genetics (formerly Invitae), Labcorp
Classification: Uncertain significance for Citrin deficiency. Last evaluated: 2025-12-24. Review status: criteria provided, single submitter. Criteria: Invitae Variant Classification Sherloc (09022015). Collection method: clinical testing. Allele origin: germline.
Comment: This sequence change replaces alanine, which is neutral and non-polar, with serine, which is neutral and polar, at codon 670 of the SLC25A13 protein (p.Ala670Ser). This variant is present in population databases (rs764619502, gnomAD 0.007%). This variant has not been reported in the literature in individuals affected with SLC25A13-related conditions. Invitae Evidence Modeling of protein sequence and biophysical properties (such as structural, functional, and spatial information, amino acid conservation, physicochemical variation, residue mobility, and thermodynamic stability) indicates that this missense variant is not expected to disrupt SLC25A13 protein function with a negative predictive value of 80%. In summary, the available evidence is currently insufficient to determine the role of this variant in disease. Therefore, it has been classified as a Variant of Uncertain Significance.

NM_014251.3(SLC25A13):c.2008G>T (p.Ala670Ser)

Gene: SLC25A13 (solute carrier family 25 member 13; minus strand). Cytogenetic location: 7q21.3.
Variant type: single nucleotide variant.
Coding change: c.2008G>T on transcript NM_014251.3 (MANE Select); coding-DNA position 2008, G replaced by T.
Protein change: p.Ala670Ser; replaces alanine 670 with serine.
Molecular consequence: missense variant. On other transcripts: non-coding transcript variant (1).
Genome position (GRCh38, 1-based): chr7:96,121,211, C>A on the plus strand (G>T on the coding strand, the complement: SLC25A13 is on the minus strand). VCF-style: chr7-96121211-C-A. GRCh37 (hg19) VCF-style: chr7-95750523-C-A.
Other names: c.2011G>T, p.Ala671Ser (NM_001160210.2); short protein forms A671S, A670S.
Identifiers: ClinVar variation 4695410 (VCV004695410.1).
Genomic context (GRCh38, chr7:96,121,211, plus strand): 5'-GTACCCACAAAAAGACAGCACTATCCCAGGGCTGATCTTCCTATGGGCCTCCACCAATAG[C>A]CTTTGAGGTAGATACTGATGGCTTGAAGAGAGGTAGGTAAAGTCCAAATTTGTTTTCAAT-3'
Protein context (NP_055066.1, residues 660-675): LFKPSVSTSK[Ala670Ser]IGGGP